The following is an entry in ClinVar:

NM_000540.3(RYR1):c.14204G>A (p.Arg4735Gln)

Gene: RYR1 (ryanodine receptor 1; plus strand). Cytogenetic location: 19q13.2.
Variant type: single nucleotide variant.
Coding change: c.14204G>A on transcript NM_000540.3 (MANE Select); coding-DNA position 14204, G replaced by A.
Protein change: p.Arg4735Gln; replaces arginine 4735 with glutamine.
Molecular consequence: missense variant.
Genome position (GRCh38, 1-based): chr19:38,577,949, G>A. VCF-style: chr19-38577949-G-A. GRCh37 (hg19) VCF-style: chr19-39068589-G-A.
Other names: c.14189G>A, p.Arg4730Gln (NM_001042723.2); short protein forms R4735Q, R4730Q.
Identifiers: ClinVar variation 1357884 (VCV001357884.39), dbSNP rs754190031, ClinGen allele CA060986.

ClinVar aggregate classification (germline): Uncertain significance. Review status: criteria provided, multiple submitters, no conflicts (2 of 4 stars). 3 submissions from 3 submitters: Uncertain significance (3). Last evaluated 2024-08-09.

Conditions:
RYR1-related disorder. Also called: RYR1-related condition; RYR1-related disorders. Identifiers: MedGen CN239331.
Malignant hyperthermia, susceptibility to, 1 (MHS1). Also called: RYR1-Related Malignant Hyperthermia Susceptibility; Anesthesia related hyperthermia; Malignant hyperpyrexia; Fulminating hyperpyrexia; Pharmacogenic myopathy; Malignant hyperthermia suceptibility 1. Identifiers: Orphanet 423, MedGen C2930980, MONDO:0007783, OMIM 145600.

Allele frequency attached by ClinVar (database versions not stated): gnomAD exomes below 0.00001 and 0.00001; ExAC 0.00001; gnomAD 0.00001 and 0.00003; TOPMed 0.00002.
gnomAD v4.1: 11 of 1,614,088 alleles (0.00068%); highest among the groups gnomAD compares: East Asian, 0.013%; no homozygotes.

Submissions (3):

Labcorp Genetics (formerly Invitae), Labcorp
Classification: Uncertain significance for RYR1-related disorder. Last evaluated: 2024-08-09. Review status: criteria provided, single submitter. Criteria: Invitae Variant Classification Sherloc (09022015). Collection method: clinical testing. Allele origin: germline.
Comment: This sequence change replaces arginine, which is basic and polar, with glutamine, which is neutral and polar, at codon 4735 of the RYR1 protein (p.Arg4735Gln). This variant is present in population databases (rs754190031, gnomAD 0.006%). This missense change has been observed in individual(s) with malignant hyperthermia (PMID: 24433488). ClinVar contains an entry for this variant (Variation ID: 1357884). Advanced modeling of protein sequence and biophysical properties (such as structural, functional, and spatial information, amino acid conservation, physicochemical variation, residue mobility, and thermodynamic stability) has been performed at Invitae for this missense variant, however the output from this modeling did not meet the statistical confidence thresholds required to predict the impact of this variant on RYR1 protein function. In summary, the available evidence is currently insufficient to determine the role of this variant in disease. Therefore, it has been classified as a Variant of Uncertain Significance.

Color Diagnostics, LLC DBA Color Health
Classification: Uncertain significance for Malignant hyperthermia, susceptibility to, 1. Last evaluated: 2023-11-09. Review status: criteria provided, single submitter. Criteria: ACMG Guidelines, 2015. Collection method: clinical testing. Allele origin: germline.
Comment: This missense variant replaces arginine with glutamine at codon 4735 of the RYR1 protein. Computational prediction tool indicates that this variant may have a neutral impact on protein structure and function. To our knowledge, functional studies have not been reported for this variant. This variant has been reported in an individual affected with malignant hyperthermia susceptibility (PMID: 24433488). This variant has been identified in 2/251402 chromosomes in the general population by the Genome Aggregation Database (gnomAD). The available evidence is insufficient to determine the role of this variant in disease conclusively. Therefore, this variant is classified as a Variant of Uncertain Significance.

CeGaT Center for Human Genetics Tuebingen
Classification: Uncertain significance. Last evaluated: 2022-04-01. Review status: criteria provided, single submitter. Criteria: CeGaT Center For Human Genetics Tuebingen Variant Classification Criteria Version 2. Collection method: clinical testing. Allele origin: germline. Affected: yes. Observed: 1 variant allele.
Comment: RYR1: PM2, BP5

Literature cited by the submitters: PubMed 24433488 (cited by Labcorp Genetics (formerly Invitae), Labcorp and Color Diagnostics, LLC DBA Color Health).